The following is an entry in ClinVar:

NM_001378454.1(ALMS1):c.5140T>G (p.Tyr1714Asp)

Gene: ALMS1 (ALMS1 centrosome and basal body associated protein; plus strand). Cytogenetic location: 2p13.1.
Variant type: single nucleotide variant.
Coding change: c.5140T>G on transcript NM_001378454.1 (MANE Select); coding-DNA position 5140, T replaced by G.
Protein change: p.Tyr1714Asp; replaces tyrosine 1714 with aspartic acid.
Molecular consequence: missense variant.
Genome position (GRCh38, 1-based): chr2:73,451,667, T>G. VCF-style: chr2-73451667-T-G. GRCh37 (hg19) VCF-style: chr2-73678794-T-G.
Other names: c.5143T>G, p.Tyr1715Asp (NM_015120.4); short protein forms Y1715D, Y1714D.
Identifiers: ClinVar variation 2747482 (VCV002747482.3), dbSNP rs2466103979, ClinGen allele CA347280110.
Genomic context (GRCh38, chr2:73,451,667, plus strand): 5'-GTTCCTGGACCAGATGCCCAGAAGACTGAGACACCATCAGTATCCTCTAGTTTATACTCA[T>G]ATAGAGAGAAGCCCATTGTCTTCTACCAACAGGCCCTGCCAGACAGTGAGCTAACTCAAG-3'
Protein context (NP_001365383.1, residues 1704-1724): TPSVSSSLYS[Tyr1714Asp]REKPIVFYQQ

ClinVar aggregate classification (germline): Uncertain significance (1 of 4 stars; one submission).

Conditions:
Alstrom syndrome (ALMS). Identifiers: Orphanet 64, MedGen C0268425, MONDO:0008763, OMIM 203800.

Submission:

Labcorp Genetics (formerly Invitae), Labcorp
Classification: Uncertain significance for Alstrom syndrome. Last evaluated: 2023-07-27. Review status: criteria provided, single submitter. Criteria: Invitae Variant Classification Sherloc (09022015). Collection method: clinical testing. Allele origin: germline.
Comment: This sequence change replaces tyrosine, which is neutral and polar, with aspartic acid, which is acidic and polar, at codon 1715 of the ALMS1 protein (p.Tyr1715Asp). This variant is not present in population databases (gnomAD no frequency). This variant has not been reported in the literature in individuals affected with ALMS1-related conditions. Algorithms developed to predict the effect of missense changes on protein structure and function output the following: SIFT: "Not Available"; PolyPhen-2: "Not Available"; Align-GVGD: "Not Available". The aspartic acid amino acid residue is found in multiple mammalian species, which suggests that this missense change does not adversely affect protein function. In summary, the available evidence is currently insufficient to determine the role of this variant in disease. Therefore, it has been classified as a Variant of Uncertain Significance.